The following is an entry in ClinVar:

NM_000179.3(MSH6):c.4002-53_4002-24dup

Gene: MSH6 (mutS homolog 6; plus strand). Cytogenetic location: 2p16.3.
Variant type: Duplication.
Coding change: c.4002-53_4002-24dup on transcript NM_000179.3 (MANE Select); 53 bases into the intron before coding-DNA position 4002 through 24 bases into the intron before coding-DNA position 4002, 30 bases duplicated (GATGCACTATGAAAAAACAAAAAAACTTTT).
Molecular consequence: intron variant.
Genome position (GRCh38, 1-based): chr2:47,806,726-47,806,755, GATGCACTATGAAAAAACAAAAAAACTTTT duplicated; duplicating any 30 consecutive bases within chr2:47,806,725-47,806,755 gives the same sequence; the c. name uses the placement nearest the transcript's 3' end. VCF-style (leftmost placement, unchanged base first): chr2-47806724-A-ATGATGCACTATGAAAAAACAAAAAAACTTT. GRCh37 (hg19) VCF-style: chr2-48033863-A-ATGATGCACTATGAAAAAACAAAAAAACTTT.
Other names: c.3705-53_3705-24dup (NM_001406818.1, NM_001406821.1, NM_001406828.1 and 8 more transcripts); c.3834-53_3834-24dup (NM_001406826.1); c.3705-58_3705-29dup (NM_001406822.1, NM_001406801.1); c.3096-53_3096-24dup (NM_001406829.1, NM_001406823.1, NM_001281494.2 and 6 more transcripts); c.849-53_849-24dup (NM_001406832.1); c.783-53_783-24dup (NM_001406831.1); c.4002-53_4002-24dup (NM_001406809.1, NM_001406796.1); c.4098-53_4098-24dup (NM_001406795.1); and 11 more.
Identifiers: ClinVar variation 4532266 (VCV004532266.1).

ClinVar aggregate classification (germline): Uncertain significance (1 of 4 stars; one submission).

Conditions:
Hereditary cancer-predisposing syndrome. Also called: Tumor predisposition; Hereditary Cancer Syndrome; Hereditary neoplastic syndrome; Neoplastic Syndromes, Hereditary. Identifiers: Orphanet 140162, MedGen C0027672, MeSH D009386, MONDO:0015356.

Submission:

Molecular Diagnostics Laboratory, Catalan Institute of Oncology
Classification: Uncertain significance for Hereditary cancer-predisposing syndrome. Last evaluated: 2025-10-27. Review status: criteria provided, single submitter. Criteria: ClinGen CRC ACMG Specifications MSH6 V1.0.0. Collection method: clinical testing. Allele origin: germline. Inheritance: Autosomal dominant inheritance.
Comment: c.4002-53_4002-24dup, located in intron 9 of the MSH6 gene, is an intronic duplication not close to a canonical splice site. The SpliceAI algorithm results in a non-informative deltascore (0. 19) for the effect of this variant on splicing. It is not present in either of the population databases gnomAD v4.1.0 and gnomAD SVs v4.1.0 (PM2_supporting). To our knowledge, no functional studies have been reported for this variant. Also, the variant has not been reported either in ClinVar, InSiGHT or in LOVD databases. Based on currently available information, c.4002-53_4002-24dup is classified as an uncertain significance variant according to ClinGen-MSH6 Guidelines v1.0.0.